The following is an entry in ClinVar:

ClinVar aggregate classification (germline): Uncertain significance. Review status: criteria provided, multiple submitters, no conflicts (2 of 4 stars). 2 submissions from 2 submitters: Uncertain significance (2). Last evaluated 2026-06-22.

Conditions:
Hereditary cancer-predisposing syndrome. Also called: Hereditary Cancer Syndrome; Hereditary neoplastic syndrome; Neoplastic Syndromes, Hereditary; Tumor predisposition. Identifiers: Orphanet 140162, MedGen C0027672, MeSH D009386, MONDO:0015356.

gnomAD v4.1: 3 of 1,611,060 alleles (0.00019%); highest among the groups gnomAD compares: Non-Finnish European, 0.00025%; no homozygotes.

Submissions (2):

Ambry Genetics
Classification: Uncertain significance for Hereditary cancer-predisposing syndrome. Last evaluated: 2026-06-22. Review status: criteria provided, single submitter. Criteria: Ambry Variant Classification Scheme 2023. Collection method: clinical testing. Allele origin: germline.
Comment: The p.D1693A variant (also known as c.5078A>C), located in coding exon 38 of the POLE gene, results from an A to C substitution at nucleotide position 5078. The aspartic acid at codon 1693 is replaced by alanine, an amino acid with dissimilar properties. This amino acid position is conserved. In addition, this alteration is predicted to be deleterious by in silico analysis. Based on the available evidence, the clinical significance of this variant remains unclear.

Labcorp Genetics (formerly Invitae), Labcorp
Classification: Uncertain significance. Last evaluated: 2026-01-19. Review status: criteria provided, single submitter. Criteria: Invitae Variant Classification Sherloc (09022015). Collection method: clinical testing. Allele origin: germline.
Comment: This sequence change replaces aspartic acid, which is acidic and polar, with alanine, which is neutral and non-polar, at codon 1693 of the POLE protein (p.Asp1693Ala). This variant is not present in population databases (gnomAD no frequency). This variant has not been reported in the literature in individuals affected with POLE-related conditions. Invitae Evidence Modeling of protein sequence and biophysical properties (such as structural, functional, and spatial information, amino acid conservation, physicochemical variation, residue mobility, and thermodynamic stability) indicates that this missense variant is not expected to disrupt POLE protein function with a negative predictive value of 80%. In summary, the available evidence is currently insufficient to determine the role of this variant in disease. Therefore, it has been classified as a Variant of Uncertain Significance.

NM_006231.4(POLE):c.5078A>C (p.Asp1693Ala)

Gene: POLE (DNA polymerase epsilon, catalytic subunit; minus strand). Cytogenetic location: 12q24.33.
Variant type: single nucleotide variant.
Coding change: c.5078A>C on transcript NM_006231.4 (MANE Select); coding-DNA position 5078, A replaced by C.
Protein change: p.Asp1693Ala; replaces aspartic acid 1693 with alanine.
Molecular consequence: missense variant.
Genome position (GRCh38, 1-based): chr12:132,642,272, T>G on the plus strand (A>C on the coding strand, the complement: POLE is on the minus strand). VCF-style: chr12-132642272-T-G. GRCh37 (hg19) VCF-style: chr12-133218858-T-G.
Other names: c.5078A>C (NM_006231.2); short protein forms D1693A.
Identifiers: ClinVar variation 4740944 (VCV004740944.2).